The following is an entry in ClinVar:

ClinVar aggregate classification (germline): Uncertain significance. Review status: criteria provided, multiple submitters, no conflicts (2 of 4 stars). 2 submissions from 2 submitters: Uncertain significance (2). Last evaluated 2025-10-24.

Allele frequency attached by ClinVar (database versions not stated): ExAC 0.00032; ESP Exome Variant Server 0.00054; gnomAD 0.00054; TOPMed 0.00056; 1000 Genomes Project 0.00060; 1000 Genomes Project 30x 0.00062.
gnomAD v4.1: 1,355 of 1,613,448 alleles (0.084%); highest among the groups gnomAD compares: Non-Finnish European, 0.11%; 2 homozygotes.

Submissions (2):

Labcorp Genetics (formerly Invitae), Labcorp
Classification: Uncertain significance. Last evaluated: 2025-10-24. Review status: criteria provided, single submitter. Criteria: Invitae Variant Classification Sherloc (09022015). Collection method: clinical testing. Allele origin: germline.
Comment: This sequence change replaces glutamic acid, which is acidic and polar, with lysine, which is basic and polar, at codon 1323 of the DISP1 protein (p.Glu1323Lys). This variant is present in population databases (rs149927406, gnomAD 0.07%). This variant has not been reported in the literature in individuals affected with DISP1-related conditions. ClinVar contains an entry for this variant (Variation ID: 2062939). An algorithm developed to predict the effect of missense changes on protein structure and function (PolyPhen-2) suggests that this variant is likely to be tolerated. In summary, the available evidence is currently insufficient to determine the role of this variant in disease. Therefore, it has been classified as a Variant of Uncertain Significance.

Ambry Genetics
Classification: Uncertain significance. Last evaluated: 2021-10-06. Review status: criteria provided, single submitter. Criteria: Ambry Variant Classification Scheme 2023. Collection method: clinical testing. Allele origin: germline.

NM_001377229.1(DISP1):c.3967G>A (p.Glu1323Lys)

Gene: DISP1 (dispatched RND transporter family member 1; plus strand). Cytogenetic location: 1q41.
Variant type: single nucleotide variant.
Coding change: c.3967G>A on transcript NM_001377229.1 (MANE Select); coding-DNA position 3967, G replaced by A.
Protein change: p.Glu1323Lys; replaces glutamic acid 1323 with lysine.
Molecular consequence: missense variant.
Genome position (GRCh38, 1-based): chr1:223,005,364, G>A. VCF-style: chr1-223005364-G-A. GRCh37 (hg19) VCF-style: chr1-223178706-G-A.
Other names: c.3238G>A, p.Glu1080Lys (NM_001350630.2); c.3967G>A, p.Glu1323Lys (NM_001369594.1, NM_001377228.1, NM_032890.5); short protein forms E1080K, E1323K.
Identifiers: ClinVar variation 2062939 (VCV002062939.5), dbSNP rs149927406, ClinGen allele CA1409507.